The following is an entry in ClinVar:

ClinVar aggregate classification (germline): Likely benign (1 of 4 stars; one submission).

gnomAD v4.1: 4 of 1,607,232 alleles (0.00025%); highest among the groups gnomAD compares: Non-Finnish European, 0.00025%; no homozygotes.

Submission:

CeGaT Center for Human Genetics Tuebingen
Classification: Likely benign. Last evaluated: 2026-05-01. Review status: criteria provided, single submitter. Criteria: CeGaT Center For Human Genetics Tuebingen Variant Classification Criteria Version 2. Collection method: clinical testing. Allele origin: germline. Affected: yes. Observed: 1 variant allele.
Comment: ERCC4: BP4, BP7

NM_005236.3(ERCC4):c.39G>C (p.Ala13=)

Genes: ERCC4 (ERCC excision repair 4, endonuclease catalytic subunit; plus strand), LOC130058543 (ATAC-STARR-seq lymphoblastoid active region 10486; plus strand). Cytogenetic location: 16p13.12.
Variant type: single nucleotide variant.
Coding change: c.39G>C on transcript NM_005236.3 (MANE Select); coding-DNA position 39, G replaced by C.
Protein change: p.Ala13=; no amino-acid change (alanine 13 retained).
Molecular consequence: synonymous variant.
Genome position (GRCh38, 1-based): chr16:13,920,204, G>C. VCF-style: chr16-13920204-G-C. GRCh37 (hg19) VCF-style: chr16-14014061-G-C.
Identifiers: ClinVar variation 4873399 (VCV004873399.2).